The following is an entry in ClinVar:

NM_001375405.1(CEP120):c.2292C>G (p.His764Gln)

Gene: CEP120 (centrosomal protein 120; minus strand). Cytogenetic location: 5q23.2.
Variant type: single nucleotide variant.
Coding change: c.2292C>G on transcript NM_001375405.1 (MANE Select); coding-DNA position 2292, C replaced by G.
Protein change: p.His764Gln; replaces histidine 764 with glutamine.
Molecular consequence: missense variant. On other transcripts: non-coding transcript variant (1).
Genome position (GRCh38, 1-based): chr5:123,377,440, G>C on the plus strand (C>G on the coding strand, the complement: CEP120 is on the minus strand). VCF-style: chr5-123377440-G-C. GRCh37 (hg19) VCF-style: chr5-122713134-G-C.
Other names: c.2214C>G, p.His738Gln (NM_001166226.2); c.2157C>G, p.His719Gln (NM_001375406.1); c.2292C>G, p.His764Gln (NM_001375407.1, NM_153223.4); c.1719C>G, p.His573Gln (NM_001375408.1, NM_001375409.1); c.2292C>G (NM_153223.3); short protein forms H719Q, H738Q, H573Q, H764Q.
Identifiers: ClinVar variation 2072209 (VCV002072209.3), dbSNP rs756593532, ClinGen allele CA3386671.

ClinVar aggregate classification (germline): Uncertain significance. Review status: criteria provided, single submitter (1 of 4 stars). 2 submissions from 2 submitters: Uncertain significance (1). 1 of the submissions does not count toward it. Last evaluated 2022-08-04.

Conditions:
Short-rib thoracic dysplasia 13 with or without polydactyly (SRTD13). Identifiers: Orphanet 474, MedGen C4225378, MONDO:0014577, OMIM 616300.
CEP120-related disorder. Also called: CEP120-related condition; CEP120-Related Disorders.

Allele frequency attached by ClinVar (database versions not stated): gnomAD exomes 0.00001; gnomAD 0.00002; TOPMed 0.00003; ExAC 0.00005.
gnomAD v4.1: 22 of 1,611,760 alleles (0.0014%); highest among the groups gnomAD compares: Admixed American, 0.034%; no homozygotes.

Submissions (2):

Labcorp Genetics (formerly Invitae), Labcorp
Classification: Uncertain significance for Short-rib thoracic dysplasia 13 with or without polydactyly. Last evaluated: 2022-08-04. Review status: criteria provided, single submitter. Criteria: Invitae Variant Classification Sherloc (09022015). Collection method: clinical testing. Allele origin: germline.
Comment: This sequence change replaces histidine, which is basic and polar, with glutamine, which is neutral and polar, at codon 764 of the CEP120 protein (p.His764Gln). This variant is present in population databases (rs756593532, gnomAD 0.05%). This variant has not been reported in the literature in individuals affected with CEP120-related conditions. Algorithms developed to predict the effect of missense changes on protein structure and function are either unavailable or do not agree on the potential impact of this missense change (SIFT: "Deleterious"; PolyPhen-2: "Possibly Damaging"; Align-GVGD: "Class C0"). In summary, the available evidence is currently insufficient to determine the role of this variant in disease. Therefore, it has been classified as a Variant of Uncertain Significance.

PreventionGenetics, part of Exact Sciences
Classification: Uncertain significance for CEP120-related condition. Last evaluated: 2023-11-22. Review status: no assertion criteria provided. Collection method: clinical testing. Allele origin: germline. Not counted in ClinVar's aggregate classification.
Comment: The CEP120 c.2292C>G variant is predicted to result in the amino acid substitution p.His764Gln. To our knowledge, this variant has not been reported in the literature. This variant is reported in 0.050% of alleles in individuals of Latino descent in gnomAD. Although we suspect that this variant may be benign, at this time, the clinical significance of this variant is uncertain due to the absence of conclusive functional and genetic evidence.